The following is an entry in ClinVar:

ClinVar aggregate classification (germline): Likely benign. Review status: criteria provided, multiple submitters, no conflicts (2 of 4 stars). 2 submissions from 2 submitters: Likely benign (2). Last evaluated 2026-09-01.

Conditions:
Ichthyosis linearis circumflexa. Identifiers: MedGen C0265962, MONDO:0043106, HP:0025810.

Allele frequency attached by ClinVar (database versions not stated): gnomAD exomes below 0.00001 and 0.00001; ExAC 0.00001.
gnomAD v4.1: 8 of 1,613,992 alleles (0.0005%); highest among the groups gnomAD compares: Non-Finnish European, 0.00059%; no homozygotes.

Submissions (2):

CeGaT Center for Human Genetics Tuebingen
Classification: Likely benign. Last evaluated: 2026-09-01. Review status: criteria provided, single submitter. Criteria: CeGaT Center For Human Genetics Tuebingen Variant Classification Criteria Version 2. Collection method: clinical testing. Allele origin: germline. Affected: yes. Observed: 1 variant allele.
Comment: SPINK5: BP4, BP7

Labcorp Genetics (formerly Invitae), Labcorp
Classification: Likely benign for Ichthyosis linearis circumflexa. Last evaluated: 2022-08-19. Review status: criteria provided, single submitter. Criteria: Invitae Variant Classification Sherloc (09022015). Collection method: clinical testing. Allele origin: germline.

NM_006846.4(SPINK5):c.2325T>C (p.Asp775=)

Gene: SPINK5 (serine peptidase inhibitor Kazal type 5; plus strand). Cytogenetic location: 5q32.
Variant type: single nucleotide variant.
Coding change: c.2325T>C on transcript NM_006846.4 (MANE Select); coding-DNA position 2325, T replaced by C.
Protein change: p.Asp775=; no amino-acid change (aspartic acid 775 retained).
Molecular consequence: synonymous variant.
Genome position (GRCh38, 1-based): chr5:148,120,020, T>C. VCF-style: chr5-148120020-T-C. GRCh37 (hg19) VCF-style: chr5-147499583-T-C.
Other names: c.2325T>C, p.Asp775= (NM_001127698.2, NM_001127699.2).
Identifiers: ClinVar variation 1139488 (VCV001139488.10), dbSNP rs769288731, ClinGen allele CA3495963.
Genomic context (GRCh38, chr5:148,120,020, plus strand): 5'-AATATTATGTAAAAACAGCACTTCCAATATAATCTTCCCATCTTTTCAGGATACATGTGA[T>C]GAGTTTAGAAGCCAAATGAAAAATGGAAAACTCATCTGCACTCGAGAAAGTGACCCTGTC-3'
Protein context (NP_006837.2, residues 765-785): TGSESGKDTC[Asp775=]EFRSQMKNGK